The following is an entry in ClinVar:

ClinVar aggregate classification (germline): Uncertain significance (1 of 4 stars; one submission).

Conditions:
Inborn genetic diseases. Identifiers: MedGen C0950123, MeSH D030342.

Submission:

Ambry Genetics
Classification: Uncertain significance for Inborn genetic diseases. Last evaluated: 2025-11-04. Review status: criteria provided, single submitter. Criteria: Ambry Variant Classification Scheme 2023. Collection method: clinical testing. Allele origin: germline.
Comment: The p.Q396R variant (also known as c.1187A>G), located in coding exon 12 of the ASXL1 gene, results from an A to G substitution at nucleotide position 1187. The glutamine at codon 396 is replaced by arginine, an amino acid with highly similar properties. This amino acid position is conserved. In addition, this alteration is predicted to be tolerated by in silico analysis. Based on the available evidence, the clinical significance of this variant remains unclear.

NM_015338.6(ASXL1):c.1187A>G (p.Gln396Arg)

Gene: ASXL1 (ASXL transcriptional regulator 1; plus strand). Cytogenetic location: 20q11.21.
Variant type: single nucleotide variant.
Coding change: c.1187A>G on transcript NM_015338.6 (MANE Select); coding-DNA position 1187, A replaced by G.
Protein change: p.Gln396Arg; replaces glutamine 396 with arginine.
Molecular consequence: missense variant.
Genome position (GRCh38, 1-based): chr20:32,433,385, A>G. VCF-style: chr20-32433385-A-G. GRCh37 (hg19) VCF-style: chr20-31021188-A-G.
Other names: c.1004A>G, p.Gln335Arg (NM_001363734.1); short protein forms Q335R, Q396R.
Identifiers: ClinVar variation 4588385 (VCV004588385.1).